The following is an entry in ClinVar:

NM_173628.4(DNAH17):c.4564G>T (p.Asp1522Tyr)

Genes: DNAH17 (dynein axonemal heavy chain 17; minus strand), LOC126862654 (MED14-independent group 3 enhancer GRCh37_chr17:76502868-76504067; plus strand). Cytogenetic location: 17q25.3.
Variant type: single nucleotide variant.
Coding change: c.4564G>T on transcript NM_173628.4 (MANE Select); coding-DNA position 4564, G replaced by T.
Protein change: p.Asp1522Tyr; replaces aspartic acid 1522 with tyrosine.
Molecular consequence: missense variant.
Genome position (GRCh38, 1-based): chr17:78,507,478, C>A on the plus strand (G>T on the coding strand, the complement: DNAH17 is on the minus strand). VCF-style: chr17-78507478-C-A. GRCh37 (hg19) VCF-style: chr17-76503560-C-A.
Other names: short protein forms D1522Y.
Identifiers: ClinVar variation 402689 (VCV000402689.9), dbSNP rs62073553, ClinGen allele CA8803726.
Genomic context (GRCh38, chr17:78,507,478, plus strand): 5'-TCATTTCTGAAGTGCGTGGGAACCACCGGGCTGTGCTCACCTTGAATTCCTGGTTGATGT[C>A]GTCAAAGCGCTGGGAGTCCCCCGGGAGCTGGGTGCGGATGTCTTCGGAGCCGATGAAGAT-3'
Protein context (NP_775899.3, residues 1512-1532): QLPGDSQRFD[Asp1522Tyr]INQEFKALME

ClinVar aggregate classification (germline): Benign. Review status: criteria provided, multiple submitters, no conflicts (2 of 4 stars). 4 submissions from 4 submitters: Benign (3). 1 of the submissions does not count toward it. Last evaluated 2021-05-04.

Conditions:
DNAH17-related disorder. Also called: DNAH17-related condition.

Allele frequency attached by ClinVar (database versions not stated): 1000 Genomes Project 0.08127; 1000 Genomes Project 30x 0.08167; ESP Exome Variant Server 0.10766; TOPMed 0.10840.
gnomAD v4.1: 219,277 of 1,612,306 alleles (14%); highest among the groups gnomAD compares: Admixed American, 16%; 15,983 homozygotes.

Submissions (4):

GeneDx
Classification: Benign. Last evaluated: 2021-05-04. Review status: criteria provided, single submitter. Criteria: GeneDx Variant Classification Process June 2021. Collection method: clinical testing. Allele origin: germline. Affected: yes.

Laboratory for Molecular Medicine, Mass General Brigham Personalized Medicine
Classification: Benign. Last evaluated: 2016-03-29. Review status: criteria provided, single submitter. Criteria: LMM Criteria. Collection method: clinical testing. Allele origin: germline.
Comment: Variant identified in a genome or exome case(s) and assessed due to predicted null impact of the variant or pathogenic assertions in the literature or databases. Disclaimer: This variant has not undergone full assessment. The following are preliminary notes: Frequency

Breakthrough Genomics
Classification: Benign. Review status: criteria provided, single submitter. Criteria: ACMG Guidelines, 2015. Collection method: not provided. Allele origin: germline. Inheritance: Autosomal recessive inheritance. Affected: yes.

PreventionGenetics, part of Exact Sciences
Classification: Benign for DNAH17-related condition. Last evaluated: 2019-10-29. Review status: no assertion criteria provided. Collection method: clinical testing. Allele origin: germline. Not counted in ClinVar's aggregate classification.
Comment: This variant is classified as benign based on ACMG/AMP sequence variant interpretation guidelines (Richards et al. 2015 PMID: 25741868, with internal and published modifications).